The following is an entry in ClinVar:

ClinVar aggregate classification (germline): Uncertain significance (1 of 4 stars; one submission).

Allele frequency attached by ClinVar (database versions not stated): gnomAD 0.00001; TOPMed 0.00001.
gnomAD v4.1: 5 of 1,613,724 alleles (0.00031%); highest among the groups gnomAD compares: Non-Finnish European, 0.00042%; no homozygotes.

Submission:

Labcorp Genetics (formerly Invitae), Labcorp
Classification: Uncertain significance. Last evaluated: 2024-10-19. Review status: criteria provided, single submitter. Criteria: Invitae Variant Classification Sherloc (09022015). Collection method: clinical testing. Allele origin: germline.
Comment: This sequence change replaces glutamic acid, which is acidic and polar, with glutamine, which is neutral and polar, at codon 1781 of the KMT2A protein (p.Glu1781Gln). This variant is not present in population databases (gnomAD no frequency). This variant has not been reported in the literature in individuals affected with KMT2A-related conditions. ClinVar contains an entry for this variant (Variation ID: 1023951). Invitae Evidence Modeling of protein sequence and biophysical properties (such as structural, functional, and spatial information, amino acid conservation, physicochemical variation, residue mobility, and thermodynamic stability) has been performed for this missense variant. However, the output from this modeling did not meet the statistical confidence thresholds required to predict the impact of this variant on KMT2A protein function. In summary, the available evidence is currently insufficient to determine the role of this variant in disease. Therefore, it has been classified as a Variant of Uncertain Significance.

NM_001197104.2(KMT2A):c.5341G>C (p.Glu1781Gln)

Gene: KMT2A (lysine methyltransferase 2A; plus strand). Cytogenetic location: 11q23.3.
Variant type: single nucleotide variant.
Coding change: c.5341G>C on transcript NM_001197104.2 (MANE Select); coding-DNA position 5341, G replaced by C.
Protein change: p.Glu1781Gln; replaces glutamic acid 1781 with glutamine.
Molecular consequence: missense variant.
Genome position (GRCh38, 1-based): chr11:118,494,745, G>C. VCF-style: chr11-118494745-G-C. GRCh37 (hg19) VCF-style: chr11-118365460-G-C.
Other names: c.5332G>C, p.Glu1778Gln (NM_005933.4); short protein forms E1778Q, E1781Q.
Identifiers: ClinVar variation 1023951 (VCV001023951.8), dbSNP rs1187648821, ClinGen allele CA382837985.